The following is an entry in ClinVar:

NM_024312.5(GNPTAB):c.1479del (p.Trp493fs)

Gene: GNPTAB (N-acetylglucosamine-1-phosphate transferase subunits alpha and beta; minus strand). Cytogenetic location: 12q23.2.
Variant type: Deletion.
Coding change: c.1479del on transcript NM_024312.5 (MANE Select); coding-DNA position 1479, one base deleted (G; older notation c.1479delG).
Protein change: p.Trp493fs; shifts the reading frame from tryptophan 493.
Molecular consequence: frameshift variant.
Genome position (GRCh38, 1-based): chr12:101,766,224, C deleted on the plus strand (G on the coding strand, the reverse complement: GNPTAB is on the minus strand); the first of 2 consecutive C bases (chr12:101,766,224-101,766,225); deleting either gives the same sequence. VCF-style (leftmost placement, unchanged base first): chr12-101766223-GC-G. GRCh37 (hg19) VCF-style: chr12-102160001-GC-G.
Other names: short protein forms W493fs.
Identifiers: ClinVar variation 1724235 (VCV001724235.3), dbSNP rs2547958738, ClinGen allele CA2580085709.

ClinVar aggregate classification (germline): Likely pathogenic (1 of 4 stars; one submission).

Conditions:
GNPTAB-mucolipidosis. Also called: UDP-N-acetylglucosamine-1-phosphotransferase subunit alpha/beta deficiency. Identifiers: MedGen CN322573, MONDO:0100122.

Submission:

Myriad Genetics, Inc.
Classification: Likely pathogenic for GNPTAB-mucolipidosis. Last evaluated: 2022-02-02. Review status: criteria provided, single submitter. Criteria: Myriad Autosomal Dominant, Autosomal Recessive and X-Linked Classification Criteria (2023). Collection method: clinical testing. Allele origin: unknown.
Comment: NM_024312.4(GNPTAB):c.1479delG(W493Cfs*7) is expected to be pathogenic in the context of GNPTAB-related disorders. This variant is predicted to lead to an abnormal or absent protein product due to the creation of a premature termination codon in GNPTAB, a gene where loss-of-function variants are known to be pathogenic. Please note: this variant was assessed in the context of healthy population screening.